The following is an entry in ClinVar:

NM_000202.8(IDS):c.-162C>G

Gene: IDS (iduronate 2-sulfatase; minus strand). Cytogenetic location: Xq28.
Variant type: single nucleotide variant.
Coding change: c.-162C>G on transcript NM_000202.8 (MANE Select); 162 bases upstream of the start codon, C replaced by G.
Molecular consequence: 5 prime UTR variant. On other transcripts: non-coding transcript variant (1).
Genome position (GRCh38, 1-based): chrX:149,505,299, G>C on the plus strand (C>G on the coding strand, the complement: IDS is on the minus strand). VCF-style: chrX-149505299-G-C. GRCh37 (hg19) VCF-style: chrX-148586829-G-C.
Other names: c.-388C>G (NM_001166550.4); c.-162C>G (NM_006123.5).
Identifiers: ClinVar variation 2661618 (VCV002661618.24), dbSNP rs986217215, ClinGen allele CA337036790.

ClinVar aggregate classification (germline): Likely benign (1 of 4 stars; one submission).

Allele frequency attached by ClinVar (database versions not stated): gnomAD exomes 0.00036.
gnomAD v4.1: 109 of 309,938 alleles (0.035%); highest among the groups gnomAD compares: Middle Eastern, 0.087%; no homozygotes.

Submission:

CeGaT Center for Human Genetics Tuebingen
Classification: Likely benign. Last evaluated: 2023-01-01. Review status: criteria provided, single submitter. Criteria: CeGaT Center For Human Genetics Tuebingen Variant Classification Criteria Version 2. Collection method: clinical testing. Allele origin: germline. Affected: yes. Observed: 1 variant allele.
Comment: IDS: BS2